The following is an entry in ClinVar:

NM_005015.3(OXA1L):c.72T>C (p.Pro24=)

Gene: OXA1L (OXA1L mitochondrial inner membrane insertase; plus strand). Cytogenetic location: 14q11.2.
Variant type: single nucleotide variant.
Coding change: c.72T>C on transcript NM_005015.3; coding-DNA position 72, T replaced by C.
Protein change: p.Pro24=; no amino-acid change (proline 24 retained).
Genome position (GRCh38, 1-based): chr14:22,766,593, T>C. VCF-style: chr14-22766593-T-C. GRCh37 (hg19) VCF-style: chr14-23235802-T-C.
Identifiers: ClinVar variation 3053927 (VCV003053927.2), dbSNP rs767360985, ClinGen allele CA7103748.

ClinVar aggregate classification (germline): Likely benign (0 of 4 stars; one submission).

Conditions:
OXA1L-related disorder. Also called: OXA1L-related condition.

Allele frequency attached by ClinVar (database versions not stated): TOPMed 0.00002; ExAC 0.00002.

Submission:

PreventionGenetics, part of Exact Sciences
Classification: Likely benign for OXA1L-related condition. Last evaluated: 2023-12-11. Review status: no assertion criteria provided. Collection method: clinical testing. Allele origin: germline.
Comment: This variant is classified as likely benign based on ACMG/AMP sequence variant interpretation guidelines (Richards et al. 2015 PMID: 25741868, with internal and published modifications).